The following is an entry in ClinVar:

NM_024408.4(NOTCH2):c.85C>T (p.Arg29Ter)

Gene: NOTCH2 (notch receptor 2; minus strand). Cytogenetic location: 1p12.
Variant type: single nucleotide variant.
Coding change: c.85C>T on transcript NM_024408.4 (MANE Select); coding-DNA position 85, C replaced by T.
Protein change: p.Arg29Ter; replaces arginine 29 with a stop codon.
Molecular consequence: nonsense.
Genome position (GRCh38, 1-based): chr1:120,029,976, G>A on the plus strand (C>T on the coding strand, the complement: NOTCH2 is on the minus strand). VCF-style: chr1-120029976-G-A. GRCh37 (hg19) VCF-style: chr1-120572599-G-A.
Other names: c.85C>T, p.Arg29Ter (NM_001200001.2); short protein forms R29*.
Identifiers: ClinVar variation 801539 (VCV000801539.43), dbSNP rs1174406807, ClinGen allele CA341849570.
Genomic context (GRCh38, chr1:120,029,976, plus strand): 5'-CTGTGCCATTGTGGTAGGTAACACACATTCCTTCATTTACACAGGGTTCATAGCCATCTC[G>A]ACACTGCAATGCTAAAAATAAAAACAAATGCACATTAGAAGTAAGTCACTAATCATAACC-3'

ClinVar aggregate classification (germline): Conflicting classifications of pathogenicity. Review status: criteria provided, conflicting classifications (1 of 4 stars). 4 submissions from 4 submitters: Likely pathogenic (1); Uncertain significance (3). Last evaluated 2025-11-07.

Conditions:
Hajdu-Cheney syndrome (HJCYS). Also called: SERPENTINE FIBULA-POLYCYSTIC KIDNEY SYNDROME; ACROOSTEOLYSIS WITH OSTEOPOROSIS AND CHANGES IN SKULL AND MANDIBLE; Acroosteolysis dominant type. Identifiers: Orphanet 955, MedGen C0917715, MONDO:0007057, OMIM 102500.
Alagille syndrome due to a NOTCH2 point mutation. Also called: Alagille syndrome 2. Identifiers: Orphanet 261629, Orphanet 52, MedGen C1857761, MONDO:0012439, OMIM 610205.

Allele frequency attached by ClinVar (database versions not stated): gnomAD 0.00002 and 0.00004; 1000 Genomes Project 30x 0.00016.

Submissions (4):

Dasa
Classification: Uncertain significance for Alagille syndrome due to a NOTCH2 point mutation. Last evaluated: 2025-11-07. Review status: criteria provided, single submitter. Criteria: DASA Assertion Criteria. Collection method: clinical testing. Allele origin: germline.
Comment: NM_024408.4(NOTCH2):c.85C>T (p.Arg29*) is a nonsense variant in NOTCH2 predicted to introduce a premature termination codon. This variant is rare in population databases. The currently available literature and clinical evidence are not sufficient to establish a definitive association between this variant and the reported condition. Therefore, this variant is classified as a variant of uncertain significance.

Laboratory of Medical Genetics, National & Kapodistrian University of Athens
Classification: Likely pathogenic for Alagille syndrome due to a NOTCH2 point mutation. Last evaluated: 2023-05-17. Review status: criteria provided, single submitter. Criteria: ACMG Guidelines, 2015. Collection method: clinical testing. Allele origin: germline. Affected: yes.
Comment: PVS1, PM2

Mendelics
Classification: Uncertain significance for Hajdu-Cheney syndrome. Last evaluated: 2021-11-03. Review status: criteria provided, single submitter. Criteria: Mendelics Assertion Criteria 2017. Collection method: clinical testing. Allele origin: unknown.

CeGaT Center for Human Genetics Tuebingen
Classification: Uncertain significance. Last evaluated: 2021-01-01. Review status: criteria provided, single submitter. Criteria: CeGaT Center For Human Genetics Tuebingen Variant Classification Criteria Version 2. Collection method: clinical testing. Allele origin: germline. Affected: yes. Observed: 1 variant allele.